The following is an entry in ClinVar:

ClinVar aggregate classification (germline): Uncertain significance (1 of 4 stars; one submission).

Submission:

Women's Health and Genetics/Laboratory Corporation of America, LabCorp
Classification: Uncertain significance. Last evaluated: 2026-01-26. Review status: criteria provided, single submitter. Criteria: LabCorp Variant Classification Summary - May 2015. Collection method: clinical testing. Allele origin: germline.
Comment: Variant summary: The variant involves the duplication of exons 1-12 in the ACAT1 gene. A presumed nomenclature of c.(?_-41)_(*214_?)dup has been designated for the purposes of this classification. This duplication includes the entire coding sequence of the gene. As exact breakpoints are unknown, it may extend beyond the annotated region of the gene, to include other flanking genes. The variant was absent in 21694 control chromosomes. The available data on variant occurrences in the general population are insufficient to allow any conclusion about variant significance. To our knowledge, no occurrence of c.(?_-41)_(*214_?)dup in individuals affected with ACAT1-related conditions and no experimental evidence demonstrating its impact on protein function have been reported. ClinVar contains an entry for this variant (Variation ID: 1683397). Based on the evidence outlined above, the variant was classified as uncertain significance.

NC_000011.9:g.(?_107992293)_(108018331_?)dup

Gene: ACAT1 (acetyl-CoA acetyltransferase 1; plus strand). Cytogenetic location: 11q22.3.
Variant type: Duplication.
Identifiers: ClinVar variation 4689721 (VCV004689721.1).